The following is an entry in ClinVar:

ClinVar aggregate classification (germline): Pathogenic/Likely pathogenic. Review status: criteria provided, multiple submitters, no conflicts (2 of 4 stars). 5 submissions from 5 submitters: Pathogenic (2); Likely pathogenic (3). Last evaluated 2026-04-29.

Conditions:
Familial ovarian cancer. Identifiers: MedGen C5679802, MONDO:0016248.
Hereditary cancer-predisposing syndrome. Also called: Neoplastic Syndromes, Hereditary; Hereditary Cancer Syndrome; Hereditary neoplastic syndrome; Tumor predisposition. Identifiers: Orphanet 140162, MedGen C0027672, MeSH D009386, MONDO:0015356.
Familial cancer of breast. Also called: BREAST CANCER, FAMILIAL; Hereditary breast cancer; hereditary breast carcinoma. Identifiers: Orphanet 227535, MedGen C0346153, MONDO:0016419, OMIM 114480. Disease mechanism: loss of function.
Fanconi anemia complementation group J. Also called: BRIP1-Related Fanconi Anemia. Identifiers: Orphanet 84, MedGen C1836860, MONDO:0012187, OMIM 609054.

Submissions (5):

Victorian Clinical Genetics Services, Murdoch Childrens Research Institute
Classification: Pathogenic for Familial ovarian cancer. Last evaluated: 2026-04-29. Review status: criteria provided, single submitter. Criteria: ACMG Guidelines, 2015. Collection method: clinical testing. Allele origin: germline.
Comment: This variant is classified as Pathogenic. Evidence in support of pathogenic classification: Canonical splice site variant without proven consequence on splicing (no functional evidence available); Variant is absent from gnomAD (v2, v3 and v4); This variant has strong previous evidence of pathogenicity in unrelated individuals. This variant has been classified as pathogenic or likely pathogenic by multiple clinical laboratories in ClinVar. This variant has also been reported as a germline variant in two individuals with ovarian cancer (PMID: 39554377); Other canonical splice site variants comparable to the one identified in this case have strong previous evidence for pathogenicity. Canonical splice site variants ( c.1936-1G>C, c.1936-2A>G, and c.1936-2A>C) have each been classified as pathogenic or likely pathogenic by clinical laboratories in ClinVar. Additional information: This variant is heterozygous; This gene is associated with both recessive and dominant disease. Biallelic pathogenic variants are associated with complementation group J Fanconi anaemia (MIM#609054), while monoallelic pathogenic variants are associated with increased susceptibility to familial ovarian cancer, (MONDO:0016248), BRIP1-related; No published evidence of segregation with disease has been identified for this variant; No published functional evidence has been identified for this variant; Loss of function is a known mechanism of disease in this gene and is associated with complementation group J Fanconi anaemia (MIM#609054), and susceptibility to familial ovarian cancer (MONDO: 0016248), BRIP1-related (National Comprehensive Cancer Network guidelines).

Ambry Genetics
Classification: Likely pathogenic for Hereditary cancer-predisposing syndrome. Last evaluated: 2024-11-26. Review status: criteria provided, single submitter. Criteria: Ambry Variant Classification Scheme 2023. Collection method: clinical testing. Allele origin: germline.
Comment: The c.1936-1G>A intronic variant results from a G to A substitution one nucleotide upstream from coding exon 13 of the BRIP1 gene. Alterations that disrupt the canonical splice site are expected to result in aberrant splicing. In silico splice site analysis predicts that this alteration will weaken the native splice acceptor site and may result in the creation or strengthening of a novel splice acceptor site. The resulting transcript is predicted to be in-frame and is not expected to trigger nonsense-mediated mRNA decay; however, direct evidence is unavailable. While the exact functional effect of the missing amino acids is unknown, the impacted region is critical for protein function (Ambry internal data). This nucleotide position is highly conserved in available vertebrate species. This variant is considered to be rare based on population cohorts in the Genome Aggregation Database (gnomAD). Based on the majority of available evidence to date, this variant is likely to be pathogenic.

Labcorp Genetics (formerly Invitae), Labcorp
Classification: Likely pathogenic for Familial cancer of breast; Fanconi anemia complementation group J. Last evaluated: 2021-06-02. Review status: criteria provided, single submitter. Criteria: Invitae Variant Classification Sherloc (09022015). Collection method: clinical testing. Allele origin: germline.
Comment: This variant is not present in population databases (ExAC no frequency). This variant has not been reported in the literature in individuals with BRIP1-related conditions. ClinVar contains an entry for this variant (Variation ID: 480901). Algorithms developed to predict the effect of sequence changes on RNA splicing suggest that this variant may disrupt the consensus splice site, but this prediction has not been confirmed by published transcriptional studies. In summary, the currently available evidence indicates that the variant is pathogenic, but additional data are needed to prove that conclusively. Therefore, this variant has been classified as Likely Pathogenic. This sequence change affects an acceptor splice site in intron 13 of the BRIP1 gene. It is expected to disrupt RNA splicing. Variants that disrupt the donor or acceptor splice site typically lead to a loss of protein function (PMID: 16199547), and loss-of-function variants in BRIP1 are known to be pathogenic (PMID: 16116423, 17033622, 21964575).

Genetic Services Laboratory, University of Chicago
Classification: Pathogenic. Last evaluated: 2021-02-16. Review status: criteria provided, single submitter. Criteria: ACMG Guidelines, 2015. Collection method: clinical testing. Allele origin: germline. Affected: yes.
Comment: DNA sequence analysis of the BRIP1 gene demonstrated a sequence change in the canonical splice acceptor site of intron 13, c.1936-1G>A. This sequence change is absent from known population databases (gnomAD). This pathogenic sequence change is predicted to affect normal splicing of the BRIP1 gene and result in an abnormal protein. While this particular sequence change has not been reported in individuals with BRIP1-related caners, other loss of function variants in BRIP1 have been described in multiple individuals with ovarian or breast cancer (PMIDS: 17033622, 21964575).

Molecular Diagnostics Laboratory, M Health Fairview: University of Minnesota
Classification: Likely pathogenic for Familial cancer of breast. Last evaluated: 2020-11-06. Review status: criteria provided, single submitter. Criteria: ACMG Guidelines, 2015. Collection method: clinical testing. Allele origin: germline. Affected: yes.

Literature cited by the submitters: PubMed 39554377 (cited by Victorian Clinical Genetics Services, Murdoch Childrens Research Institute); PubMed 16199547 (cited by Labcorp Genetics (formerly Invitae), Labcorp); PubMed 16116423 (cited by Labcorp Genetics (formerly Invitae), Labcorp); PubMed 17033622 (cited by Labcorp Genetics (formerly Invitae), Labcorp); PubMed 21964575 (cited by Labcorp Genetics (formerly Invitae), Labcorp).

NM_032043.3(BRIP1):c.1936-1G>A

Gene: BRIP1 (BRCA1 interacting DNA helicase 1; minus strand). Cytogenetic location: 17q23.2.
Variant type: single nucleotide variant.
Coding change: c.1936-1G>A on transcript NM_032043.3 (MANE Select); the canonical splice acceptor site of the intron before coding-DNA position 1936, G replaced by A.
Molecular consequence: splice acceptor variant.
Genome position (GRCh38, 1-based): chr17:61,776,563, C>T on the plus strand (G>A on the coding strand, the complement: BRIP1 is on the minus strand). VCF-style: chr17-61776563-C-T. GRCh37 (hg19) VCF-style: chr17-59853924-C-T.
Identifiers: ClinVar variation 480901 (VCV000480901.19), dbSNP rs1555601204, ClinGen allele CA400478665.